The following is an entry in ClinVar:

ClinVar aggregate classification (germline): Uncertain significance (1 of 4 stars; one submission).

Conditions:
Charcot-Marie-Tooth disease type 2. Also called: Charcot-Marie-Tooth type 2. Identifiers: Orphanet 64746, MedGen C0270914, MONDO:0018993.

Submission:

Labcorp Genetics (formerly Invitae), Labcorp
Classification: Uncertain significance for Charcot-Marie-Tooth disease type 2. Last evaluated: 2025-09-27. Review status: criteria provided, single submitter. Criteria: Invitae Variant Classification Sherloc (09022015). Collection method: clinical testing. Allele origin: germline.
Comment: This sequence change replaces glutamic acid, which is acidic and polar, with lysine, which is basic and polar, at codon 154 of the LMNA protein (p.Glu154Lys). This variant is not present in population databases (gnomAD no frequency). This missense change has been observed in individual(s) with dilated cardiomyopathy (PMID: 31303467). ClinVar contains an entry for this variant (Variation ID: 2883981). Invitae Evidence Modeling of protein sequence and biophysical properties (such as structural, functional, and spatial information, amino acid conservation, physicochemical variation, residue mobility, and thermodynamic stability) indicates that this missense variant is expected to disrupt LMNA protein function with a positive predictive value of 95%. In summary, the available evidence is currently insufficient to determine the role of this variant in disease. Therefore, it has been classified as a Variant of Uncertain Significance.

Literature cited by the submitters: PubMed 31303467.

NM_170707.4(LMNA):c.460G>A (p.Glu154Lys)

Genes: LMNA (lamin A/C; plus strand), LOC126805877 (MED14-independent group 3 enhancer GRCh37_chr1:156099693-156100892; plus strand). Cytogenetic location: 1q22.
Variant type: single nucleotide variant.
Coding change: c.460G>A on transcript NM_170707.4 (MANE Select); coding-DNA position 460, G replaced by A.
Protein change: p.Glu154Lys; replaces glutamic acid 154 with lysine.
Molecular consequence: missense variant. On other transcripts: 5 prime UTR variant (7), intron variant (4).
Genome position (GRCh38, 1-based): chr1:156,130,720, G>A. VCF-style: chr1-156130720-G-A. GRCh37 (hg19) VCF-style: chr1-156100511-G-A.
Other names: c.460G>A, p.Glu154Lys (NM_001406983.1, NM_001406984.1, NM_001406985.1 and 6 more transcripts); c.217G>A, p.Glu73Lys (NM_001406986.1, NM_001406987.1, NM_001282624.2); c.163G>A, p.Glu55Lys (NM_001406988.1); c.124G>A, p.Glu42Lys (NM_001406989.1, NM_001406998.1, NM_001257374.3); c.-99G>A (NM_001406993.1, NM_001406996.1, NM_001406997.1 and 1 more transcripts); c.-205G>A (NM_001406994.1, NM_001406999.1, NM_001407000.1); c.-45-3683G>A (NM_001407002.1, NM_001406995.1, NM_001406990.1); c.-151-3683G>A (NM_001407001.1); short protein forms E154K, E42K, E55K, E73K.
Identifiers: ClinVar variation 2883981 (VCV002883981.3), dbSNP rs2527936999, ClinGen allele CA342815499.
Genomic context (GRCh38, chr1:156,130,720, plus strand): 5'-CTGAAGGACCTGGAGGCTCTGCTGAACTCCAAGGAGGCCGCACTGAGCACTGCTCTCAGT[G>A]AGAAGCGCACGCTGGAGGGCGAGCTGCATGATCTGCGGGGCCAGGTGGCCAAGGTGAGGC-3'
Protein context (NP_733821.1, residues 144-164): KEAALSTALS[Glu154Lys]KRTLEGELHD